The following is an entry in ClinVar:

NM_019066.5(MAGEL2):c.614C>T (p.Pro205Leu)

Gene: MAGEL2 (MAGE family member L2; minus strand). Cytogenetic location: 15q11.2.
Variant type: single nucleotide variant.
Coding change: c.614C>T on transcript NM_019066.5 (MANE Select); coding-DNA position 614, C replaced by T.
Protein change: p.Pro205Leu; replaces proline 205 with leucine.
Molecular consequence: missense variant.
Genome position (GRCh38, 1-based): chr15:23,647,129, G>A on the plus strand (C>T on the coding strand, the complement: MAGEL2 is on the minus strand). VCF-style: chr15-23647129-G-A. GRCh37 (hg19) VCF-style: chr15-23892276-G-A.
Other names: c.614C>T (NM_019066.4); short protein forms P205L.
Identifiers: ClinVar variation 1905303 (VCV001905303.6), dbSNP rs1359447999, ClinGen allele CA391336868.

ClinVar aggregate classification (germline): Uncertain significance. Review status: criteria provided, multiple submitters, no conflicts (2 of 4 stars). 2 submissions from 2 submitters: Uncertain significance (2). Last evaluated 2024-08-05.

Conditions:
Inborn genetic diseases. Identifiers: MedGen C0950123, MeSH D030342.

Allele frequency attached by ClinVar (database versions not stated): gnomAD exomes below 0.00001; gnomAD 0.00001; TOPMed 0.00001.
gnomAD v4.1: 9 of 1,528,386 alleles (0.00059%); highest among the groups gnomAD compares: East Asian, 0.0049%; no homozygotes.

Submissions (2):

Labcorp Genetics (formerly Invitae), Labcorp
Classification: Uncertain significance. Last evaluated: 2024-08-05. Review status: criteria provided, single submitter. Criteria: Invitae Variant Classification Sherloc (09022015). Collection method: clinical testing. Allele origin: germline.
Comment: This sequence change replaces proline, which is neutral and non-polar, with leucine, which is neutral and non-polar, at codon 205 of the MAGEL2 protein (p.Pro205Leu). This variant is present in population databases (no rsID available, gnomAD 0.02%). This variant has not been reported in the literature in individuals affected with MAGEL2-related conditions. ClinVar contains an entry for this variant (Variation ID: 1905303). Experimental studies and prediction algorithms are not available or were not evaluated, and the functional significance of this variant is currently unknown. In summary, the available evidence is currently insufficient to determine the role of this variant in disease. Therefore, it has been classified as a Variant of Uncertain Significance.

Ambry Genetics
Classification: Uncertain significance for Inborn genetic diseases. Last evaluated: 2023-12-26. Review status: criteria provided, single submitter. Criteria: Ambry Variant Classification Scheme 2023. Collection method: clinical testing. Allele origin: germline.